The following is an entry in ClinVar:

ClinVar aggregate classification (germline): Uncertain significance. Review status: criteria provided, multiple submitters, no conflicts (2 of 4 stars). 3 submissions from 3 submitters: Uncertain significance (3). Last evaluated 2024-12-03.

Conditions:
Xanthinuria type II. Also called: Xanthine dehydrogenase and aldehyde oxidase combined deficiency of; XDH and AOX dual deficiency. Identifiers: Orphanet 3467, Orphanet 93602, MedGen C1863688, MONDO:0011346, OMIM 603592.

Allele frequency attached by ClinVar (database versions not stated): ExAC 0.00010; TOPMed 0.00011; 1000 Genomes Project 30x 0.00031; 1000 Genomes Project 0.00040.

Submissions (3):

Ambry Genetics
Classification: Uncertain significance. Last evaluated: 2024-12-03. Review status: criteria provided, single submitter. Criteria: Ambry Variant Classification Scheme 2023. Collection method: clinical testing. Allele origin: germline.

Fulgent Genetics
Classification: Uncertain significance for Xanthinuria type II. Last evaluated: 2024-04-02. Review status: criteria provided, single submitter. Criteria: ACMG Guidelines, 2015. Collection method: clinical testing. Allele origin: germline.

Labcorp Genetics (formerly Invitae), Labcorp
Classification: Uncertain significance for Xanthinuria type II. Last evaluated: 2021-08-24. Review status: criteria provided, single submitter. Criteria: Invitae Variant Classification Sherloc (09022015). Collection method: clinical testing. Allele origin: germline.
Comment: This sequence change replaces arginine with tryptophan at codon 373 of the MOCOS protein (p.Arg373Trp). The arginine residue is moderately conserved and there is a moderate physicochemical difference between arginine and tryptophan. This variant is present in population databases (rs200895405, ExAC 0.06%). This variant has not been reported in the literature in individuals affected with MOCOS-related conditions. Algorithms developed to predict the effect of missense changes on protein structure and function are either unavailable or do not agree on the potential impact of this missense change (SIFT: "Deleterious"; PolyPhen-2: "Possibly Damaging"; Align-GVGD: "Class C0"). In summary, the available evidence is currently insufficient to determine the role of this variant in disease. Therefore, it has been classified as a Variant of Uncertain Significance.

NM_017947.4(MOCOS):c.1117C>T (p.Arg373Trp)

Gene: MOCOS (molybdenum cofactor sulfurase; plus strand). Cytogenetic location: 18q12.2.
Variant type: single nucleotide variant.
Coding change: c.1117C>T on transcript NM_017947.4 (MANE Select); coding-DNA position 1117, C replaced by T.
Protein change: p.Arg373Trp; replaces arginine 373 with tryptophan.
Molecular consequence: missense variant.
Genome position (GRCh38, 1-based): chr18:36,205,175, C>T. VCF-style: chr18-36205175-C-T. GRCh37 (hg19) VCF-style: chr18-33785138-C-T.
Other names: c.1117C>T (NM_017947.2); short protein forms R373W.
Identifiers: ClinVar variation 1401152 (VCV001401152.7), dbSNP rs200895405, ClinGen allele CA8940626.